The following is an entry in ClinVar:

NM_004608.4(TBX6):c.962A>G (p.Glu321Gly)

Gene: TBX6 (T-box transcription factor 6; minus strand). Cytogenetic location: 16p11.2.
Variant type: single nucleotide variant.
Coding change: c.962A>G on transcript NM_004608.4 (MANE Select); coding-DNA position 962, A replaced by G.
Protein change: p.Glu321Gly; replaces glutamic acid 321 with glycine.
Molecular consequence: missense variant.
Genome position (GRCh38, 1-based): chr16:30,086,647, T>C on the plus strand (A>G on the coding strand, the complement: TBX6 is on the minus strand). VCF-style: chr16-30086647-T-C. GRCh37 (hg19) VCF-style: chr16-30097968-T-C.
Other names: short protein forms E321G.
Identifiers: ClinVar variation 1434383 (VCV001434383.6), dbSNP rs1457766846, ClinGen allele CA395513928.

ClinVar aggregate classification (germline): Uncertain significance (1 of 4 stars; one submission).

Allele frequency attached by ClinVar (database versions not stated): TOPMed 0.00001; gnomAD exomes 0.00002.
gnomAD v4.1: 10 of 1,608,606 alleles (0.00062%); highest among the groups gnomAD compares: South Asian, 0.0011%; no homozygotes.

Submission:

Labcorp Genetics (formerly Invitae), Labcorp
Classification: Uncertain significance. Last evaluated: 2025-04-08. Review status: criteria provided, single submitter. Criteria: Invitae Variant Classification Sherloc (09022015). Collection method: clinical testing. Allele origin: germline.
Comment: This sequence change replaces glutamic acid, which is acidic and polar, with glycine, which is neutral and non-polar, at codon 321 of the TBX6 protein (p.Glu321Gly). This variant is present in population databases (no rsID available, gnomAD 0.003%). This variant has not been reported in the literature in individuals affected with TBX6-related conditions. ClinVar contains an entry for this variant (Variation ID: 1434383). Invitae Evidence Modeling of protein sequence and biophysical properties (such as structural, functional, and spatial information, amino acid conservation, physicochemical variation, residue mobility, and thermodynamic stability) indicates that this missense variant is not expected to disrupt TBX6 protein function with a negative predictive value of 80%. In summary, the available evidence is currently insufficient to determine the role of this variant in disease. Therefore, it has been classified as a Variant of Uncertain Significance.